The following is an entry in ClinVar:

ClinVar aggregate classification (germline): Uncertain significance (1 of 4 stars; one submission).

Allele frequency attached by ClinVar (database versions not stated): gnomAD exomes below 0.00001.
gnomAD v4.1: 1 of 1,613,996 alleles (0.000062%); highest among the groups gnomAD compares: Non-Finnish European, 0.000085%; no homozygotes.

Submission:

Labcorp Genetics (formerly Invitae), Labcorp
Classification: Uncertain significance. Last evaluated: 2020-12-02. Review status: criteria provided, single submitter. Criteria: Invitae Variant Classification Sherloc (09022015). Collection method: clinical testing. Allele origin: germline.
Comment: This sequence change replaces leucine with arginine at codon 1243 of the LAMB1 protein (p.Leu1243Arg). The leucine residue is highly conserved and there is a moderate physicochemical difference between leucine and arginine. This variant is not present in population databases (ExAC no frequency). This variant has not been reported in the literature in individuals with LAMB1-related conditions. Algorithms developed to predict the effect of missense changes on protein structure and function (SIFT, PolyPhen-2, Align-GVGD) all suggest that this variant is likely to be disruptive, but these predictions have not been confirmed by published functional studies and their clinical significance is uncertain. In summary, the available evidence is currently insufficient to determine the role of this variant in disease. Therefore, it has been classified as a Variant of Uncertain Significance.

NM_002291.3(LAMB1):c.3728T>G (p.Leu1243Arg)

Gene: LAMB1 (laminin subunit beta 1; minus strand). Cytogenetic location: 7q31.1.
Variant type: single nucleotide variant.
Coding change: c.3728T>G on transcript NM_002291.3 (MANE Select); coding-DNA position 3728, T replaced by G.
Protein change: p.Leu1243Arg; replaces leucine 1243 with arginine.
Molecular consequence: missense variant.
Genome position (GRCh38, 1-based): chr7:107,940,022, A>C on the plus strand (T>G on the coding strand, the complement: LAMB1 is on the minus strand). VCF-style: chr7-107940022-A-C. GRCh37 (hg19) VCF-style: chr7-107580467-A-C.
Other names: short protein forms L1243R.
Identifiers: ClinVar variation 1427065 (VCV001427065.8), dbSNP rs1350695607, ClinGen allele CA368857748.